The following is an entry in ClinVar:

NM_031407.7(HUWE1):c.10031C>G (p.Ala3344Gly)

Gene: HUWE1 (HECT, UBA and WWE domain containing E3 ubiquitin protein ligase 1; minus strand). Cytogenetic location: Xp11.22.
Variant type: single nucleotide variant.
Coding change: c.10031C>G on transcript NM_031407.7 (MANE Select); coding-DNA position 10031, C replaced by G.
Protein change: p.Ala3344Gly; replaces alanine 3344 with glycine.
Molecular consequence: missense variant.
Genome position (GRCh38, 1-based): chrX:53,548,963, G>C on the plus strand (C>G on the coding strand, the complement: HUWE1 is on the minus strand). VCF-style: chrX-53548963-G-C. GRCh37 (hg19) VCF-style: chrX-53575924-G-C.
Other names: c.10028C>G, p.Ala3343Gly (NM_001441048.1, NM_001441051.1, NM_001441053.1 and 2 more transcripts); c.10031C>G, p.Ala3344Gly (NM_001441049.1, NM_001441054.1, NM_001441057.1); c.10052C>G, p.Ala3351Gly (NM_001441050.1, NM_001441055.1); c.9629C>G, p.Ala3210Gly (NM_001441052.1); short protein forms A3210G, A3343G, A3344G, A3351G.
Identifiers: ClinVar variation 5017878 (VCV005017878.1).
Genomic context (GRCh38, chrX:53,548,963, plus strand): 5'-CAGGCTCTTGCTGCCACCCTTCTTCCATCCCCAGGAGTTGGGTTTGAAACCCTCACCTTG[G>C]CCAATTGAATGAGTGTATCCAAAACGTGTCTGCAGACAACAGGAGCAGCTTGGGGATGGA-3'
Protein context (NP_113584.3, residues 3334-3354): RHVLDTLIQL[Ala3344Gly]KVFPSHFTQQ

ClinVar aggregate classification (germline): Uncertain significance (1 of 4 stars; one submission).

Submission:

GeneDx
Classification: Uncertain significance. Last evaluated: 2026-03-31. Review status: criteria provided, single submitter. Criteria: GeneDx Variant Classification Process June 2021. Collection method: clinical testing. Allele origin: germline.
Comment: Not observed at significant frequency in large population cohorts (gnomAD); In silico analysis supports that this missense variant has a deleterious effect on protein structure/function; Has not been previously published as pathogenic or benign to our knowledge